The following is an entry in ClinVar:

NM_182914.3(SYNE2):c.20413G>A (p.Glu6805Lys)

Gene: SYNE2 (spectrin repeat containing nuclear envelope protein 2; plus strand). Cytogenetic location: 14q23.2.
Variant type: single nucleotide variant.
Coding change: c.20413G>A on transcript NM_182914.3 (MANE Select); coding-DNA position 20413, G replaced by A.
Protein change: p.Glu6805Lys; replaces glutamic acid 6805 with lysine.
Molecular consequence: missense variant.
Genome position (GRCh38, 1-based): chr14:64,224,491, G>A. VCF-style: chr14-64224491-G-A. GRCh37 (hg19) VCF-style: chr14-64691209-G-A.
Other names: c.20413G>A (NM_182914.2); c.20344G>A, p.Glu6782Lys (NM_015180.6); c.979G>A, p.Glu327Lys (NM_182910.2); c.1357G>A, p.Glu453Lys (NM_182913.4); short protein forms E327K, E453K, E6782K, E6805K.
Identifiers: ClinVar variation 1051109 (VCV001051109.12), dbSNP rs199923651, ClinGen allele CA7224859.

ClinVar aggregate classification (germline): Uncertain significance. Review status: criteria provided, multiple submitters, no conflicts (2 of 4 stars). 4 submissions from 4 submitters: Uncertain significance (4). Last evaluated 2025-12-22.

Conditions:
Emery-Dreifuss muscular dystrophy 5, autosomal dominant (EDMD5). Also called: EMERY-DREIFUSS MUSCULAR DYSTROPHY 5. Identifiers: Orphanet 261, MedGen C2751805, MONDO:0013072, OMIM 612999.

Allele frequency attached by ClinVar (database versions not stated): ExAC 0.00001; gnomAD 0.00005; TOPMed 0.00005.
gnomAD v4.1: 23 of 1,613,906 alleles (0.0014%); highest among the groups gnomAD compares: African/African-American, 0.0053%; no homozygotes.

Submissions (4):

Ambry Genetics
Classification: Uncertain significance. Last evaluated: 2025-12-22. Review status: criteria provided, single submitter. Criteria: Ambry Variant Classification Scheme 2023. Collection method: clinical testing. Allele origin: germline.

Athena Diagnostics
Classification: Uncertain significance. Last evaluated: 2025-04-29. Review status: criteria provided, single submitter. Criteria: Athena Diagnostics Criteria. Collection method: clinical testing. Allele origin: unknown.
Comment: Available data are insufficient to determine the clinical significance of the variant at this time. The frequency of this variant in the general population is uninformative in assessment of its pathogenicity. Polyphen and MutationTaster predict this amino acid change may be benign.

Labcorp Genetics (formerly Invitae), Labcorp
Classification: Uncertain significance for Emery-Dreifuss muscular dystrophy 5, autosomal dominant. Last evaluated: 2024-09-30. Review status: criteria provided, single submitter. Criteria: Invitae Variant Classification Sherloc (09022015). Collection method: clinical testing. Allele origin: germline.
Comment: This sequence change replaces glutamic acid, which is acidic and polar, with lysine, which is basic and polar, at codon 6805 of the SYNE2 protein (p.Glu6805Lys). This variant is present in population databases (rs199923651, gnomAD 0.004%). This variant has not been reported in the literature in individuals affected with SYNE2-related conditions. ClinVar contains an entry for this variant (Variation ID: 1051109). An algorithm developed to predict the effect of missense changes on protein structure and function outputs the following: PolyPhen-2: "Benign". The lysine amino acid residue is found in multiple mammalian species, which suggests that this missense change does not adversely affect protein function. In summary, the available evidence is currently insufficient to determine the role of this variant in disease. Therefore, it has been classified as a Variant of Uncertain Significance.

Revvity Omics, Revvity
Classification: Uncertain significance for Emery-Dreifuss muscular dystrophy 5, autosomal dominant. Last evaluated: 2023-05-18. Review status: criteria provided, single submitter. Criteria: ACMG Guidelines, 2015. Collection method: clinical testing. Allele origin: germline.